The following is an entry in ClinVar:

NM_205861.3(DHDDS):c.54C>A (p.Asn18Lys)

Gene: DHDDS (dehydrodolichyl diphosphate synthase subunit; plus strand). Cytogenetic location: 1p36.11.
Variant type: single nucleotide variant.
Coding change: c.54C>A on transcript NM_205861.3 (MANE Select); coding-DNA position 54, C replaced by A.
Protein change: p.Asn18Lys; replaces asparagine 18 with lysine.
Molecular consequence: missense variant. On other transcripts: 5 prime UTR variant (1).
Genome position (GRCh38, 1-based): chr1:26,432,999, C>A. VCF-style: chr1-26432999-C-A. GRCh37 (hg19) VCF-style: chr1-26759490-C-A.
Other names: c.54C>A, p.Asn18Lys (NM_001243564.2, NM_001243565.2, NM_024887.4); c.-249C>A (NM_001319959.2); short protein forms N18K.
Identifiers: ClinVar variation 2501404 (VCV002501404.1), dbSNP rs2524405537, ClinGen allele CA339137108.
Genomic context (GRCh38, chr1:26,432,999, plus strand): 5'-AAGAACTATGTCATGGATCAAGGAAGGAGAGCTGTCACTTTGGGAGCGGTTCTGTGCCAA[C>A]ATCATAAAGGTGAGCAATGGCCCAGAGCACCGGTTGGCCTTCTGGTCAGTTGGATAATCT-3'
Protein context (NP_995583.1, residues 8-28): ELSLWERFCA[Asn18Lys]IIKAGPMPKH

ClinVar aggregate classification (germline): Uncertain significance (1 of 4 stars; one submission).

Submission:

GeneDx
Classification: Uncertain significance. Last evaluated: 2022-11-02. Review status: criteria provided, single submitter. Criteria: GeneDx Variant Classification Process June 2021. Collection method: clinical testing. Allele origin: germline. Affected: yes.
Comment: Not observed at significant frequency in large population cohorts (gnomAD); In silico analysis supports that this missense variant does not alter protein structure/function; Has not been previously published as pathogenic or benign to our knowledge